The following is an entry in ClinVar:

NM_004526.4(MCM2):c.2381C>T (p.Ala794Val)

Genes: MCM2 (minichromosome maintenance complex component 2; plus strand), LOC107986126 (uncharacterized LOC107986126; minus strand). Cytogenetic location: 3q21.3.
Variant type: single nucleotide variant.
Coding change: c.2381C>T on transcript NM_004526.4 (MANE Select); coding-DNA position 2381, C replaced by T.
Protein change: p.Ala794Val; replaces alanine 794 with valine.
Molecular consequence: missense variant. On other transcripts: non-coding transcript variant (1).
Genome position (GRCh38, 1-based): chr3:127,620,813, C>T. VCF-style: chr3-127620813-C-T. GRCh37 (hg19) VCF-style: chr3-127339656-C-T.
Other names: short protein forms A794V.
Identifiers: ClinVar variation 2809810 (VCV002809810.3), dbSNP rs375684929, ClinGen allele CA354395735.

ClinVar aggregate classification (germline): Uncertain significance (1 of 4 stars; one submission).

gnomAD v4.1: 5 of 1,613,946 alleles (0.00031%); highest among the groups gnomAD compares: Middle Eastern, 0.066%; no homozygotes.

Submission:

Labcorp Genetics (formerly Invitae), Labcorp
Classification: Uncertain significance. Last evaluated: 2023-03-22. Review status: criteria provided, single submitter. Criteria: Invitae Variant Classification Sherloc (09022015). Collection method: clinical testing. Allele origin: germline.
Comment: In summary, the available evidence is currently insufficient to determine the role of this variant in disease. Therefore, it has been classified as a Variant of Uncertain Significance. Advanced modeling of protein sequence and biophysical properties (such as structural, functional, and spatial information, amino acid conservation, physicochemical variation, residue mobility, and thermodynamic stability) has been performed at Invitae for this missense variant, however the output from this modeling did not meet the statistical confidence thresholds required to predict the impact of this variant on MCM2 protein function. This variant has not been reported in the literature in individuals affected with MCM2-related conditions. This variant is present in population databases (no rsID available, gnomAD 0.002%). This sequence change replaces alanine, which is neutral and non-polar, with valine, which is neutral and non-polar, at codon 794 of the MCM2 protein (p.Ala794Val).